The following is an entry in ClinVar:

NM_001355263.2(NUTM2E):c.1614C>T (p.Pro538=)

Gene: NUTM2E (NUT family member 2E; plus strand). Cytogenetic location: 10q22.3.
Variant type: single nucleotide variant.
Coding change: c.1614C>T on transcript NM_001355263.2 (MANE Select); coding-DNA position 1614, C replaced by T.
Protein change: p.Pro538=; no amino-acid change (proline 538 retained).
Molecular consequence: synonymous variant.
Genome position (GRCh38, 1-based): chr10:79,848,775, C>T. VCF-style: chr10-79848775-C-T. GRCh37 (hg19) VCF-style: chr10-81608531-C-T.
Identifiers: ClinVar variation 2640649 (VCV002640649.24), dbSNP rs567065195, ClinGen allele CA5574877.

ClinVar aggregate classification (germline): Likely benign (1 of 4 stars; one submission).

Allele frequency attached by ClinVar (database versions not stated): ExAC 0.00080; 1000 Genomes Project 0.00100; 1000 Genomes Project 30x 0.00141.

Submission:

CeGaT Center for Human Genetics Tuebingen
Classification: Likely benign. Last evaluated: 2022-11-01. Review status: criteria provided, single submitter. Criteria: CeGaT Center For Human Genetics Tuebingen Variant Classification Criteria Version 2. Collection method: clinical testing. Allele origin: germline. Affected: yes. Observed: 1 variant allele.
Comment: NUTM2E: BP4, BP7, BS2